The following is an entry in ClinVar:

ClinVar aggregate classification (germline): Uncertain significance. Review status: criteria provided, multiple submitters, no conflicts (2 of 4 stars). 2 submissions from 2 submitters: Uncertain significance (2). Last evaluated 2026-04-06.

Allele frequency attached by ClinVar (database versions not stated): gnomAD exomes below 0.00001.
gnomAD v4.1: 1 of 1,613,966 alleles (0.000062%); highest among the groups gnomAD compares: Non-Finnish European, 0.000085%; no homozygotes.

Submissions (2):

GeneDx
Classification: Uncertain significance. Last evaluated: 2026-04-06. Review status: criteria provided, single submitter. Criteria: GeneDx Variant Classification Process June 2021. Collection method: clinical testing. Allele origin: germline.
Comment: Not observed at significant frequency in large population cohorts (gnomAD); In silico analysis supports that this missense variant has a deleterious effect on protein structure/function; In silico analysis, which includes splice predictors and evolutionary conservation, suggests this variant may impact gene splicing. In the absence of RNA/functional studies, the actual effect of this sequence change is unknown.; Has not been previously published as pathogenic or benign to our knowledge

Labcorp Genetics (formerly Invitae), Labcorp
Classification: Uncertain significance. Last evaluated: 2022-06-24. Review status: criteria provided, single submitter. Criteria: Invitae Variant Classification Sherloc (09022015). Collection method: clinical testing. Allele origin: germline.
Comment: This variant has not been reported in the literature in individuals affected with MYO6-related conditions. Algorithms developed to predict the effect of missense changes on protein structure and function are either unavailable or do not agree on the potential impact of this missense change (SIFT: "Deleterious"; PolyPhen-2: "Not Available"; Align-GVGD: "Class C65"). The frequency data for this variant in the population databases is considered unreliable, as metrics indicate poor data quality at this position in the gnomAD database. In summary, the available evidence is currently insufficient to determine the role of this variant in disease. Therefore, it has been classified as a Variant of Uncertain Significance. Algorithms developed to predict the effect of sequence changes on RNA splicing suggest that this variant may disrupt the consensus splice site. This sequence change replaces arginine, which is basic and polar, with isoleucine, which is neutral and non-polar, at codon 243 of the MYO6 protein (p.Arg243Ile).

NM_004999.4(MYO6):c.728G>T (p.Arg243Ile)

Gene: MYO6 (myosin VI; plus strand). Cytogenetic location: 6q14.1.
Variant type: single nucleotide variant.
Coding change: c.728G>T on transcript NM_004999.4 (MANE Select); coding-DNA position 728, G replaced by T.
Protein change: p.Arg243Ile; replaces arginine 243 with isoleucine.
Molecular consequence: missense variant. On other transcripts: non-coding transcript variant (2).
Genome position (GRCh38, 1-based): chr6:75,841,290, G>T. VCF-style: chr6-75841290-G-T. GRCh37 (hg19) VCF-style: chr6-76551007-G-T.
Other names: c.728G>T, p.Arg243Ile (NM_001368139.1, NM_001368140.1, NM_001368865.1 and 4 more transcripts); c.713G>T, p.Arg238Ile (NM_001368138.1); c.728G>T (NM_004999.3); short protein forms R238I, R243I.
Identifiers: ClinVar variation 1910284 (VCV001910284.6), dbSNP rs1217015601, ClinGen allele CA364772338.